The following is an entry in ClinVar:

ClinVar aggregate classification (germline): Uncertain significance (1 of 4 stars; one submission).

Conditions:
Cardiovascular phenotype. Identifiers: MedGen CN230736.

gnomAD v4.1: 2 of 1,613,700 alleles (0.00012%); highest among the groups gnomAD compares: East Asian, 0.0022%; no homozygotes.

Submission:

Ambry Genetics
Classification: Uncertain significance for Cardiovascular phenotype. Last evaluated: 2026-06-12. Review status: criteria provided, single submitter. Criteria: Ambry Variant Classification Scheme 2023. Collection method: clinical testing. Allele origin: germline.
Comment: The p.V1616A variant (also known as c.4847T>C), located in coding exon 31 of the MYH6 gene, results from a T to C substitution at nucleotide position 4847. The valine at codon 1616 is replaced by alanine, an amino acid with similar properties. This amino acid position is conserved. In addition, the in silico prediction for this alteration is inconclusive. Based on the available evidence, the clinical significance of this variant remains unclear.

NM_002471.4(MYH6):c.4847T>C (p.Val1616Ala)

Genes: MYH6 (myosin heavy chain 6; minus strand), LOC126861896 (BRD4-independent group 4 enhancer GRCh37_chr14:23854904-23856103; plus strand). Cytogenetic location: 14q11.2.
Variant type: single nucleotide variant.
Coding change: c.4847T>C on transcript NM_002471.4 (MANE Select); coding-DNA position 4847, T replaced by C.
Protein change: p.Val1616Ala; replaces valine 1616 with alanine.
Molecular consequence: missense variant.
Genome position (GRCh38, 1-based): chr14:23,386,427, A>G on the plus strand (T>C on the coding strand, the complement: MYH6 is on the minus strand). VCF-style: chr14-23386427-A-G. GRCh37 (hg19) VCF-style: chr14-23855636-A-G.
Other names: short protein forms V1616A.
Identifiers: ClinVar variation 4860576 (VCV004860576.1).